The following is an entry in ClinVar:

NM_207034.3(EDN3):c.*171G>A

Gene: EDN3 (endothelin 3; plus strand). Cytogenetic location: 20q13.32.
Variant type: single nucleotide variant.
Coding change: c.*171G>A on transcript NM_207034.3 (MANE Select); 171 bases downstream of the stop codon, G replaced by A.
Molecular consequence: 3 prime UTR variant.
Genome position (GRCh38, 1-based): chr20:59,324,630, G>A. VCF-style: chr20-59324630-G-A. GRCh37 (hg19) VCF-style: chr20-57899685-G-A.
Other names: c.*295G>A (NM_001302455.2); c.*263G>A (NM_001302456.2, NM_207032.3); c.*171G>A (NM_207033.3).
Identifiers: ClinVar variation 339140 (VCV000339140.6), dbSNP rs3026575, ClinGen allele CA10644279.

ClinVar aggregate classification (germline): Benign. Review status: criteria provided, multiple submitters, no conflicts (2 of 4 stars). 2 submissions from 2 submitters: Benign (2). Last evaluated 2018-01-13.

Conditions:
Hirschsprung disease, susceptibility to, 4. Identifiers: Orphanet 388, MedGen C3150975, MONDO:0013384, OMIM 613712.

Allele frequency attached by ClinVar (database versions not stated): gnomAD 0.00092 and 0.00161; TOPMed 0.00274; gnomAD exomes 0.00322; 1000 Genomes Project 30x 0.00687; 1000 Genomes Project 0.00759.
gnomAD v4.1: 2,488 of 863,954 alleles (0.29%); highest among the groups gnomAD compares: East Asian, 5.9%; 97 homozygotes.

Submissions (2):

Illumina Laboratory Services, Illumina
Classification: Benign for Hirschsprung disease, susceptibility to, 4. Last evaluated: 2018-01-13. Review status: criteria provided, single submitter. Criteria: ICSL Variant Classification Criteria 13 December 2019. Collection method: clinical testing. Allele origin: germline.
Comment: This variant was observed in the ICSL laboratory as part of a predisposition screen in an ostensibly healthy population. It had not been previously curated by ICSL or reported in the Human Gene Mutation Database (HGMD: prior to June 1st, 2018), and was therefore a candidate for classification through an automated scoring system. Utilizing variant allele frequency, disease prevalence and penetrance estimates, and inheritance mode, an automated score was calculated to assess if this variant is too frequent to cause the disease. Based on the score and internal cut-off values, a variant classified as benign is not then subjected to further curation. The score for this variant resulted in a classification of benign for this disease.

Breakthrough Genomics
Classification: Benign. Review status: criteria provided, single submitter. Criteria: ACMG Guidelines, 2015. Collection method: not provided. Allele origin: germline. Inheritance: Autosomal recessive inheritance. Affected: yes.